The following is an entry in ClinVar:

NM_130837.3(OPA1):c.1294G>A (p.Val432Ile)

Gene: OPA1 (OPA1 mitochondrial dynamin like GTPase; plus strand). Cytogenetic location: 3q29.
Variant type: single nucleotide variant.
Coding change: c.1294G>A on transcript NM_130837.3 (MANE Select); coding-DNA position 1294, G replaced by A.
Protein change: p.Val432Ile; replaces valine 432 with isoleucine.
Molecular consequence: missense variant.
Genome position (GRCh38, 1-based): chr3:193,643,038, G>A. VCF-style: chr3-193643038-G-A. GRCh37 (hg19) VCF-style: chr3-193360827-G-A.
Other names: c.760G>A, p.Val254Ile (NM_001354663.2); c.757G>A, p.Val253Ile (NM_001354664.2); c.1129G>A, p.Val377Ile (NM_015560.3); c.1021G>A, p.Val341Ile (NM_130831.3); c.1075G>A, p.Val359Ile (NM_130832.3); c.1132G>A, p.Val378Ile (NM_130833.3); c.1183G>A, p.Val395Ile (NM_130834.3); c.1186G>A, p.Val396Ile (NM_130835.3); and 1 more; short protein forms V253I, V254I, V377I, V414I, V432I, V341I, V378I, V359I.
Identifiers: ClinVar variation 2734616 (VCV002734616.5), dbSNP rs780922750, ClinGen allele CA2759327.

ClinVar aggregate classification (germline): Uncertain significance. Review status: criteria provided, multiple submitters, no conflicts (2 of 4 stars). 3 submissions from 3 submitters: Uncertain significance (3). Last evaluated 2026-09-09.

Conditions:
OPA1-related disorder. Also called: OPA1-related disorders; OPA1-related condition.

Allele frequency attached by ClinVar (database versions not stated): gnomAD 0.00001; ExAC 0.00003.
gnomAD v4.1: 10 of 1,611,270 alleles (0.00062%); highest among the groups gnomAD compares: Admixed American, 0.005%; no homozygotes.

Submissions (3):

PreventionGenetics, part of Exact Sciences
Classification: Uncertain significance for OPA1-related condition. Last evaluated: 2026-09-09. Review status: criteria provided, single submitter. Criteria: ACMG Guidelines, 2015. Collection method: clinical testing. Allele origin: germline.
Comment: The OPA1 c.1294G>A variant is predicted to result in the amino acid substitution p.Val432Ile. This variant has been reported in the compound heterozygous state with a pathogenic variant in an individual with a severe ocular phenotype (described as p.Val377Ile, Chen et al. 2013. PubMed ID: 23401657) and in the heterozygous state without a second variant in several individuals with OPA1-related conditions, although in one case this variant was observed in the proband's unaffected father (González-Iglesias et al. 2022. PubMed ID: 35457050; Table S3, Li et al. 2023. PubMed ID: 36729443; Yu-Wai-Man et al. 2010. PubMed ID: 20952381). This variant is reported in 0.011% of alleles in individuals of East Asian descent in gnomAD. Although we suspect that this variant may be pathogenic, at this time, the clinical significance of this variant is uncertain due to the absence of conclusive functional and genetic evidence.

Labcorp Genetics (formerly Invitae), Labcorp
Classification: Uncertain significance. Last evaluated: 2025-10-26. Review status: criteria provided, single submitter. Criteria: Invitae Variant Classification Sherloc (09022015). Collection method: clinical testing. Allele origin: germline.
Comment: This sequence change replaces valine, which is neutral and non-polar, with isoleucine, which is neutral and non-polar, at codon 377 of the OPA1 protein (p.Val377Ile). This variant is present in population databases (rs780922750, gnomAD 0.01%). This missense change has been observed in individual(s) with OPA1-related conditions (PMID: 23401657, 35457050, 36729443). In at least one individual the data is consistent with being in trans (on the opposite chromosome) from a pathogenic variant. This variant is also known as c.1294G>A (Val432Ile) . ClinVar contains an entry for this variant (Variation ID: 2734616). Invitae Evidence Modeling of protein sequence and biophysical properties (such as structural, functional, and spatial information, amino acid conservation, physicochemical variation, residue mobility, and thermodynamic stability) indicates that this missense variant is not expected to disrupt OPA1 protein function with a negative predictive value of 80%. In summary, the available evidence is currently insufficient to determine the role of this variant in disease. Therefore, it has been classified as a Variant of Uncertain Significance.

Blueprint Genetics
Classification: Uncertain significance. Last evaluated: 2021-09-27. Review status: criteria provided, single submitter. Criteria: ACMG Guidelines, 2015. Collection method: clinical testing. Allele origin: germline.

Literature cited by the submitters: PubMed 23401657 (cited by Labcorp Genetics (formerly Invitae), Labcorp); PubMed 35457050 (cited by Labcorp Genetics (formerly Invitae), Labcorp); PubMed 36729443 (cited by Labcorp Genetics (formerly Invitae), Labcorp).